The following is an entry in ClinVar:

NM_000302.4(PLOD1):c.1560C>T (p.Leu520=)

Gene: PLOD1 (procollagen-lysine,2-oxoglutarate 5-dioxygenase 1; plus strand). Cytogenetic location: 1p36.22.
Variant type: single nucleotide variant.
Coding change: c.1560C>T on transcript NM_000302.4 (MANE Select); coding-DNA position 1560, C replaced by T.
Protein change: p.Leu520=; no amino-acid change (leucine 520 retained).
Molecular consequence: synonymous variant.
Genome position (GRCh38, 1-based): chr1:11,965,569, C>T. VCF-style: chr1-11965569-C-T. GRCh37 (hg19) VCF-style: chr1-12025626-C-T.
Other names: c.1701C>T, p.Leu567= (NM_001316320.2); c.1560C>T (NM_000302.3).
Identifiers: ClinVar variation 2140020 (VCV002140020.8), dbSNP rs543980683, ClinGen allele CA598444.

ClinVar aggregate classification (germline): Likely benign. Review status: criteria provided, multiple submitters, no conflicts (2 of 4 stars). 5 submissions from 5 submitters: Likely benign (5). Last evaluated 2025-08-05.

Conditions:
Familial thoracic aortic aneurysm and aortic dissection (TAAD). Also called: Thoracic aortic aneurysms and dissections. Identifiers: Orphanet 91387, MedGen C4707243, MONDO:0019625.
Ehlers-Danlos syndrome, kyphoscoliotic type 1 (EDSKSCL1). Also called: EHLERS-DANLOS SYNDROME, OCULAR-SCOLIOTIC TYPE; Ehlers-Danlos syndrome, hydroxylysine-deficient; PLOD1-Related Kyphoscoliotic Ehlers-Danlos Syndrome; EHLERS-DANLOS SYNDROME, TYPE VIA. Identifiers: Orphanet 1900, MedGen C0268342, MONDO:0016002, OMIM 225400. Disease mechanism: loss of function.

Allele frequency attached by ClinVar (database versions not stated): gnomAD 0.00004; TOPMed 0.00007; 1000 Genomes Project 30x 0.00016; 1000 Genomes Project 0.00020.
gnomAD v4.1: 16 of 1,612,870 alleles (0.00099%); highest among the groups gnomAD compares: Middle Eastern, 0.017%; no homozygotes.

Submissions (5):

Labcorp Genetics (formerly Invitae), Labcorp
Classification: Likely benign for Ehlers-Danlos syndrome, kyphoscoliotic type 1. Last evaluated: 2025-08-05. Review status: criteria provided, single submitter. Criteria: Invitae Variant Classification Sherloc (09022015). Collection method: clinical testing. Allele origin: germline.

Molecular Diagnostic Laboratory for Inherited Cardiovascular Disease, Montreal Heart Institute
Classification: Likely benign. Last evaluated: 2025-04-09. Review status: criteria provided, single submitter. Criteria: ACMG Guidelines, 2015. Collection method: clinical testing. Allele origin: germline. Affected: no.
Comment: BP6;BP7

Ambry Genetics
Classification: Likely benign for Familial thoracic aortic aneurysm and aortic dissection. Last evaluated: 2025-01-21. Review status: criteria provided, single submitter. Criteria: Ambry Variant Classification Scheme 2023. Collection method: clinical testing. Allele origin: germline.

Women's Health and Genetics/Laboratory Corporation of America, LabCorp
Classification: Likely benign. Last evaluated: 2023-07-21. Review status: criteria provided, single submitter. Criteria: LabCorp Variant Classification Summary - May 2015. Collection method: clinical testing. Allele origin: germline.

Blueprint Genetics
Classification: Likely benign. Last evaluated: 2022-10-24. Review status: criteria provided, single submitter. Criteria: ACMG Guidelines, 2015. Collection method: clinical testing. Allele origin: germline.